The following is an entry in ClinVar:

ClinVar aggregate classification (germline): Likely benign. Review status: criteria provided, multiple submitters, no conflicts (2 of 4 stars). 2 submissions from 2 submitters: Likely benign (2). Last evaluated 2022-10-31.

Conditions:
Landau-Kleffner syndrome (FESD). Also called: EPILEPSY, FOCAL, WITH SPEECH DISORDER AND WITH OR WITHOUT MENTAL RETARDATION; APHASIA, ACQUIRED, WITH EPILEPSY. Identifiers: Orphanet 1945, Orphanet 725, Orphanet 98818, MedGen C0282512, MONDO:0009509, OMIM 245570.

Allele frequency attached by ClinVar (database versions not stated): gnomAD exomes below 0.00001.
gnomAD v4.1: 1 of 1,614,084 alleles (0.000062%); highest among the groups gnomAD compares: Admixed American, 0.0017%; no homozygotes.

Submissions (2):

Labcorp Genetics (formerly Invitae), Labcorp
Classification: Likely benign for Landau-Kleffner syndrome. Last evaluated: 2022-10-31. Review status: criteria provided, single submitter. Criteria: Invitae Variant Classification Sherloc (09022015). Collection method: clinical testing. Allele origin: germline.

GeneDx
Classification: Likely benign. Last evaluated: 2016-05-12. Review status: criteria provided, single submitter. Criteria: GeneDx Variant Classification (06012015). Collection method: clinical testing. Allele origin: germline. Affected: yes.
Comment: This variant is considered likely benign or benign based on one or more of the following criteria: it is a conservative change, it occurs at a poorly conserved position in the protein, it is predicted to be benign by multiple in silico algorithms, and/or has population frequency not consistent with disease.

NM_001134407.3(GRIN2A):c.2958T>G (p.Leu986=)

Gene: GRIN2A (glutamate ionotropic receptor NMDA type subunit 2A; minus strand). Cytogenetic location: 16p13.2.
Variant type: single nucleotide variant.
Coding change: c.2958T>G on transcript NM_001134407.3 (MANE Select); coding-DNA position 2958, T replaced by G.
Protein change: p.Leu986=; no amino-acid change (leucine 986 retained).
Molecular consequence: synonymous variant.
Genome position (GRCh38, 1-based): chr16:9,764,586, A>C on the plus strand (T>G on the coding strand, the complement: GRIN2A is on the minus strand). VCF-style: chr16-9764586-A-C. GRCh37 (hg19) VCF-style: chr16-9858443-A-C.
Other names: c.2958T>G, p.Leu986= (NM_000833.5, NM_001134408.2).
Identifiers: ClinVar variation 385894 (VCV000385894.4), dbSNP rs1057522359, ClinGen allele CA16607570.